The following is an entry in ClinVar:

ClinVar aggregate classification (germline): Pathogenic (1 of 4 stars; one submission).

Conditions:
Neurofibromatosis, type 1 (NF1). Also called: VON RECKLINGHAUSEN DISEASE; Neurofibromatosis, type I; NEUROFIBROMATOSIS, TYPE I, SOMATIC; Peripheral type neurofibromatosis. Identifiers: Orphanet 636, MedGen C0027831, MONDO:0018975, OMIM 162200. Disease mechanism: loss of function.

Submission:

Labcorp Genetics (formerly Invitae), Labcorp
Classification: Pathogenic for Neurofibromatosis, type 1. Last evaluated: 2018-11-01. Review status: criteria provided, single submitter. Criteria: Invitae Variant Classification Sherloc (09022015). Collection method: clinical testing. Allele origin: germline.
Comment: This variant is a gross deletion of the genomic region encompassing exons 14-57 of the NF1 gene. The 5' boundary is likely confined to intronÂ¬â€ 13. The 3' end of this event is unknown as it extends through the termination codon beyond the assayed region for this gene and may encompass additional genes. While this deletion is not anticipated to result in nonsense mediated decay, it is expected to create a truncated protein product or disrupt mRNA translation. A similar deletion of exons 14-57 has been reported in an individual affected with neurofibromatosis, type1 (PMID: 25631097). This variant has also been reported as a deletion of exons 14-58. Multiple missense variants, including p.Arg1809Cys,Â¬â€ p.Arg1809Leu, and p.Phe1863Leu, located within the deleted region, have been determined to be pathogenic (PMID:Â¬â€ 24357598,Â¬â€ 25966637,Â¬â€ 22190595). In addition, a, sub-genic deletion of exons ofÂ¬â€ 36-57 (also reported as a deletion of exons 28-49) has been determined to be pathogenic (PMID: 24232412, 16283621). Therefore, deletions that fully encompass this region are also expected to be pathogenic. For these reasons, this variant has been classified as Pathogenic.

Literature cited by the submitters: PubMed 25631097; PubMed 16283621; PubMed 24232412.

NC_000017.11:g.(?_31218995)_(31374165_?)del

Genes: EVI2A (ecotropic viral integration site 2A; minus strand), EVI2B (ecotropic viral integration site 2B; minus strand), NF1 (neurofibromin 1; plus strand), OMG (oligodendrocyte myelin glycoprotein; minus strand), LOC130060654 (ATAC-STARR-seq lymphoblastoid active region 12008; plus strand) and 4 more. Cytogenetic location: 17q11.2.
Variant type: Deletion.
Identifiers: ClinVar variation 651252 (VCV000651252.1).